The following is an entry in ClinVar:

ClinVar aggregate classification (germline): Conflicting classifications of pathogenicity. Review status: criteria provided, conflicting classifications (1 of 4 stars). 2 submissions from 2 submitters: Uncertain significance (1); Likely benign (1). Last evaluated 2026-09-13.

Conditions:
Tuberous sclerosis 1 (TSC1). Identifiers: Orphanet 805, MedGen C1854465, MONDO:0008612, OMIM 191100.
Hereditary cancer-predisposing syndrome. Also called: Hereditary Cancer Syndrome; Hereditary neoplastic syndrome; Neoplastic Syndromes, Hereditary; Tumor predisposition. Identifiers: Orphanet 140162, MedGen C0027672, MeSH D009386, MONDO:0015356.

Allele frequency attached by ClinVar (database versions not stated): gnomAD exomes below 0.00001.
gnomAD v4.1: 3 of 1,614,182 alleles (0.00019%); highest among the groups gnomAD compares: Non-Finnish European, 0.00025%; no homozygotes.

Submissions (2):

Ambry Genetics
Classification: Likely benign for Hereditary cancer-predisposing syndrome. Last evaluated: 2026-09-13. Review status: criteria provided, single submitter. Criteria: Ambry Variant Classification Scheme 2023. Collection method: clinical testing. Allele origin: germline.

Labcorp Genetics (formerly Invitae), Labcorp
Classification: Uncertain significance for Tuberous sclerosis 1. Last evaluated: 2025-02-11. Review status: criteria provided, single submitter. Criteria: Invitae Variant Classification Sherloc (09022015). Collection method: clinical testing. Allele origin: germline.
Comment: This sequence change replaces threonine, which is neutral and polar, with isoleucine, which is neutral and non-polar, at codon 1110 of the TSC1 protein (p.Thr1110Ile). This variant is not present in population databases (gnomAD no frequency). This variant has not been reported in the literature in individuals affected with TSC1-related conditions. ClinVar contains an entry for this variant (Variation ID: 2818837). Invitae Evidence Modeling of protein sequence and biophysical properties (such as structural, functional, and spatial information, amino acid conservation, physicochemical variation, residue mobility, and thermodynamic stability) indicates that this missense variant is not expected to disrupt TSC1 protein function with a negative predictive value of 95%. In summary, the available evidence is currently insufficient to determine the role of this variant in disease. Therefore, it has been classified as a Variant of Uncertain Significance.

NM_000368.5(TSC1):c.3329C>T (p.Thr1110Ile)

Gene: TSC1 (TSC complex subunit 1; minus strand). Cytogenetic location: 9q34.13.
Variant type: single nucleotide variant.
Coding change: c.3329C>T on transcript NM_000368.5 (MANE Select); coding-DNA position 3329, C replaced by T.
Protein change: p.Thr1110Ile; replaces threonine 1110 with isoleucine.
Molecular consequence: missense variant. On other transcripts: non-coding transcript variant (5).
Genome position (GRCh38, 1-based): chr9:132,896,401, G>A on the plus strand (C>T on the coding strand, the complement: TSC1 is on the minus strand). VCF-style: chr9-132896401-G-A. GRCh37 (hg19) VCF-style: chr9-135771788-G-A.
Other names: c.3326C>T, p.Thr1109Ile (NM_001162426.2, NM_001406597.1, NM_001406598.1 and 2 more transcripts); c.3176C>T, p.Thr1059Ile (NM_001162427.2, NM_001406610.1); c.2966C>T, p.Thr989Ile (NM_001362177.2, NM_001406614.1, NM_001406615.1 and 4 more transcripts); c.3329C>T, p.Thr1110Ile (NM_001406592.1, NM_001406593.1, NM_001406594.1 and 2 more transcripts); c.3314C>T, p.Thr1105Ile (NM_001406601.1, NM_001406602.1); c.3311C>T, p.Thr1104Ile (NM_001406603.1, NM_001406604.1); c.3287C>T, p.Thr1096Ile (NM_001406605.1, NM_001406606.1, NM_001406607.1); c.3284C>T, p.Thr1095Ile (NM_001406608.1, NM_001406609.1); and 8 more; short protein forms T1059I, T1105I, T792I, T1096I, T1104I, T759I, T974I, T975I.
Identifiers: ClinVar variation 2818837 (VCV002818837.5), dbSNP rs952996030, ClinGen allele CA375366603.
Genomic context (GRCh38, chr9:132,896,401, plus strand): 5'-TTGGCTTCCACACCCAAGTCTTTGCCCAGTTCTGTCTTTAGGCTCTCAGAAAGGCTACTG[G>A]TCATGCCGTCCTCATCACACTGGCTCTCGCTCTTATTACGAAATAACTCTCGAGCCTTCA-3'
Protein context (NP_000359.1, residues 1100-1120): SESQCDEDGM[Thr1110Ile]SSLSESLKTE